The following is an entry in ClinVar:

NM_000489.6(ATRX):c.3913A>C (p.Lys1305Gln)

Gene: ATRX (ATRX chromatin remodeler; minus strand). Cytogenetic location: Xq21.1.
Variant type: single nucleotide variant.
Coding change: c.3913A>C on transcript NM_000489.6 (MANE Select); coding-DNA position 3913, A replaced by C.
Protein change: p.Lys1305Gln; replaces lysine 1305 with glutamine.
Molecular consequence: missense variant.
Genome position (GRCh38, 1-based): chrX:77,664,675, T>G on the plus strand (A>C on the coding strand, the complement: ATRX is on the minus strand). VCF-style: chrX-77664675-T-G. GRCh37 (hg19) VCF-style: chrX-76920164-T-G.
Other names: c.3799A>C, p.Lys1267Gln (NM_138270.5); short protein forms K1305Q, K1267Q.
Identifiers: ClinVar variation 520769 (VCV000520769.24), dbSNP rs782708557, ClinGen allele CA10457874.

ClinVar aggregate classification (germline): Conflicting classifications of pathogenicity. Review status: criteria provided, conflicting classifications (1 of 4 stars). 5 submissions from 5 submitters: Uncertain significance (2); Benign (1); Likely benign (1). 1 of the submissions does not count toward it. Last evaluated 2025-12-10.

Conditions:
Alpha thalassemia-X-linked intellectual disability syndrome (ATRX). Also called: ALPHA-THALASSEMIA/MENTAL RETARDATION SYNDROME, X-LINKED; ATR, NONDELETION TYPE; ALPHA-THALASSEMIA/IMPAIRED INTELLECTUAL DEVELOPMENT SYNDROME, X-LINKED; X-linked alpha-thalassemia-mental retardation syndrome; ATR-X syndrome; Alpha thalassemia mental retardation syndrome, nondeletion type, X-linked. Identifiers: Orphanet 847, MedGen C1845055, MONDO:0010519, OMIM 301040.
Inborn genetic diseases. Identifiers: MedGen C0950123, MeSH D030342.
Intellectual disability-hypotonic facies syndrome, X-linked, 1 (MRXHF1). Also called: X-linked intellectual disability-hypotonic face syndrome; HOLMES-GANG SYNDROME; Smith Fineman Myers syndrome 1; XLMR-HYPOTONIC FACIES SYNDROME; CHUDLEY-LOWRY SYNDROME; Chudley syndrome 1. Identifiers: Orphanet 73220, Orphanet 93970, Orphanet 93971, Orphanet 93972, Orphanet 93973, Orphanet 93974, Orphanet 93975, MedGen C4759781, MONDO:0010663, OMIM 309580.

Allele frequency attached by ClinVar (database versions not stated): ExAC 0.00006; gnomAD exomes 0.00005 and 0.00004; TOPMed 0.00005; gnomAD 0.00007.
gnomAD v4.1: 51 of 1,209,859 alleles (0.0042%); highest among the groups gnomAD compares: Middle Eastern, 0.18%; no homozygotes.

Submissions (5):

Labcorp Genetics (formerly Invitae), Labcorp
Classification: Benign for Alpha thalassemia-X-linked intellectual disability syndrome. Last evaluated: 2025-12-10. Review status: criteria provided, single submitter. Criteria: Invitae Variant Classification Sherloc (09022015). Collection method: clinical testing. Allele origin: germline.

Blueprint Genetics
Classification: Likely benign. Last evaluated: 2024-10-09. Review status: criteria provided, single submitter. Criteria: ACMG Guidelines, 2015. Collection method: clinical testing. Allele origin: germline.

Genome-Nilou Lab
Classification: Uncertain significance for Intellectual disability-hypotonic facies syndrome, X-linked, 1. Last evaluated: 2021-05-18. Review status: criteria provided, single submitter. Criteria: ACMG Guidelines, 2015. Collection method: clinical testing. Allele origin: germline. Affected: no.

Ambry Genetics
Classification: Uncertain significance for Inborn genetic diseases. Last evaluated: 2016-10-07. Review status: criteria provided, single submitter. Criteria: Ambry Variant Classification Scheme 2023. Collection method: clinical testing. Allele origin: germline.
Comment: The p.K1305Q variant (also known as c.3913A>C), located in coding exon 11 of the ATRX gene, results from an A to C substitution at nucleotide position 3913. The lysine at codon 1305 is replaced by glutamine, an amino acid with similar properties. This variant was not reported in population based cohorts in the following databases: Database of Single Nucleotide Polymorphisms (dbSNP), NHLBI Exome Sequencing Project (ESP), and 1000 Genomes Project. In the ESP, this variant was not observed in 6499 samples with coverage at this position. This amino acid position is highly conserved in available vertebrate species. In addition, the in silico prediction for this alteration is inconclusive. Since supporting evidence is limited at this time, the clinical significance of this variant remains unclear.

Natera, Inc.
Classification: Likely benign for X-linked alpha-thalassemia-mental retardation syndrome. Last evaluated: 2020-06-03. Review status: no assertion criteria provided. Collection method: clinical testing. Allele origin: germline. Not counted in ClinVar's aggregate classification.